The following is an entry in ClinVar:

NM_006767.4(LZTR1):c.993G>C (p.Glu331Asp)

Gene: LZTR1 (leucine zipper like post translational regulator 1; plus strand). Cytogenetic location: 22q11.21.
Variant type: single nucleotide variant.
Coding change: c.993G>C on transcript NM_006767.4 (MANE Select); coding-DNA position 993, G replaced by C.
Protein change: p.Glu331Asp; replaces glutamic acid 331 with aspartic acid.
Molecular consequence: missense variant.
Genome position (GRCh38, 1-based): chr22:20,991,829, G>C. VCF-style: chr22-20991829-G-C. GRCh37 (hg19) VCF-style: chr22-21346118-G-C.
Other names: short protein forms E331D.
Identifiers: ClinVar variation 4806780 (VCV004806780.1).

ClinVar aggregate classification (germline): Uncertain significance (1 of 4 stars; one submission).

gnomAD v4.1: 2 of 1,548,488 alleles (0.00013%); highest among the groups gnomAD compares: Non-Finnish European, 0.00017%; no homozygotes.

Submission:

Labcorp Genetics (formerly Invitae), Labcorp
Classification: Uncertain significance. Last evaluated: 2025-05-05. Review status: criteria provided, single submitter. Criteria: Invitae Variant Classification Sherloc (09022015). Collection method: clinical testing. Allele origin: germline.
Comment: This sequence change replaces glutamic acid, which is acidic and polar, with aspartic acid, which is acidic and polar, at codon 331 of the LZTR1 protein (p.Glu331Asp). This variant also falls at the last nucleotide of exon 9, which is part of the consensus splice site for this exon. This variant is present in population databases (no rsID available, gnomAD 0.002%). This variant has not been reported in the literature in individuals affected with LZTR1-related conditions. An algorithm developed to predict the effect of missense changes on protein structure and function (PolyPhen-2) suggests that this variant is likely to be tolerated. Variants that disrupt the consensus splice site are a relatively common cause of aberrant splicing (PMID: 17576681, 9536098). Algorithms developed to predict the effect of sequence changes on RNA splicing suggest that this variant may disrupt the consensus splice site. In summary, the available evidence is currently insufficient to determine the role of this variant in disease. Therefore, it has been classified as a Variant of Uncertain Significance.

Literature cited by the submitters: PubMed 17576681; PubMed 9536098.